The following is an entry in ClinVar:

NM_001127222.2(CACNA1A):c.2040G>C (p.Gln680His)

Gene: CACNA1A (calcium voltage-gated channel subunit alpha1 A; minus strand). Cytogenetic location: 19p13.13.
Variant type: single nucleotide variant.
Coding change: c.2040G>C on transcript NM_001127222.2 (MANE Select); coding-DNA position 2040, G replaced by C.
Protein change: p.Gln680His; replaces glutamine 680 with histidine.
Molecular consequence: missense variant.
Genome position (GRCh38, 1-based): chr19:13,303,831, C>G on the plus strand (G>C on the coding strand, the complement: CACNA1A is on the minus strand). VCF-style: chr19-13303831-C-G. GRCh37 (hg19) VCF-style: chr19-13414645-C-G.
Other names: c.2043G>C, p.Gln681His (NM_000068.4, NM_001127221.2, NM_001174080.2 and 1 more transcripts); short protein forms Q681H, Q680H.
Identifiers: ClinVar variation 1966434 (VCV001966434.5), dbSNP rs760672701, ClinGen allele CA404344394.
Genomic context (GRCh38, chr19:13,303,831, plus strand): 5'-CCCAAAGAGCGTCAGTACAATGAAATAGATGGAGAACACCATGCCGCCCTGCACGCCCCC[C>G]TGAGACTTGATCCCGTCGTACATGACCTCGTTCCAGTCTTCGCCCGTCAGGATCTGAAAG-3'
Protein context (NP_001120694.1, residues 670-690): NEVMYDGIKS[Gln680His]GGVQGGMVFS

ClinVar aggregate classification (germline): Uncertain significance (1 of 4 stars; one submission).

Conditions:
Episodic ataxia type 2 (EA2). Also called: ATAXIA, EPISODIC, WITH NYSTAGMUS; ATAXIA, FAMILIAL PAROXYSMAL; CEREBELLAR ATAXIA, PAROXYSMAL, ACETAZOLAMIDE-RESPONSIVE; CEREBELLOPATHY, HEREDITARY PAROXYSMAL; EPISODIC ATAXIA, NYSTAGMUS-ASSOCIATED; ACETAZOLAMIDE-RESPONSIVE HEREDITARY PAROXYSMAL CEREBELLAR ATAXIA. Identifiers: Orphanet 97, MedGen C1720416, MONDO:0007163, OMIM 108500.
Developmental and epileptic encephalopathy, 42 (DEE42A). Also called: Epileptic encephalopathy, early infantile, 42; DEVELOPMENTAL AND EPILEPTIC ENCEPHALOPATHY 42A; EPILEPTIC ENCEPHALOPATHY, EARLY INFANTILE, 42A. Identifiers: MedGen C4310716, MONDO:0014917, OMIM 617106.

Allele frequency attached by ClinVar (database versions not stated): TOPMed below 0.00001.

Submission:

Labcorp Genetics (formerly Invitae), Labcorp
Classification: Uncertain significance for Developmental and epileptic encephalopathy, 42; Episodic ataxia type 2. Last evaluated: 2022-05-18. Review status: criteria provided, single submitter. Criteria: Invitae Variant Classification Sherloc (09022015). Collection method: clinical testing. Allele origin: germline.
Comment: This sequence change replaces glutamine, which is neutral and polar, with histidine, which is basic and polar, at codon 681 of the CACNA1A protein (p.Gln681His). This variant is not present in population databases (gnomAD no frequency). This variant has not been reported in the literature in individuals affected with CACNA1A-related conditions. Advanced modeling of protein sequence and biophysical properties (such as structural, functional, and spatial information, amino acid conservation, physicochemical variation, residue mobility, and thermodynamic stability) performed at Invitae indicates that this missense variant is expected to disrupt CACNA1A protein function. In summary, the available evidence is currently insufficient to determine the role of this variant in disease. Therefore, it has been classified as a Variant of Uncertain Significance.